The following is an entry in ClinVar:

NM_000053.4(ATP7B):c.-76C>T

Gene: ATP7B (ATPase copper transporting beta; minus strand). Cytogenetic location: 13q14.3.
Variant type: single nucleotide variant.
Coding change: c.-76C>T on transcript NM_000053.4 (MANE Select); 76 bases upstream of the start codon, C replaced by T.
Molecular consequence: 5 prime UTR variant. On other transcripts: intron variant (11).
Genome position (GRCh38, 1-based): chr13:52,011,413, G>A on the plus strand (C>T on the coding strand, the complement: ATP7B is on the minus strand). VCF-style: chr13-52011413-G-A. GRCh37 (hg19) VCF-style: chr13-52585549-G-A.
Other names: c.-76C>T (NM_001005918.3, NM_001243182.2, NM_001330578.2 and 20 more transcripts); c.-263C>T (NM_001406518.1); c.-205C>T (NM_001406539.1); c.-54-22C>T (NM_001406541.1, NM_001406531.1, NM_001406527.1 and 7 more transcripts); c.-183-22C>T (NM_001406543.1).
Identifiers: ClinVar variation 4540624 (VCV004540624.1).

ClinVar aggregate classification (germline): Likely benign (1 of 4 stars; one submission).

Conditions:
Wilson disease (WND). Also called: Wilson's disease. Identifiers: Orphanet 905, MedGen C0019202, MONDO:0010200, OMIM 277900. Disease mechanism: loss of function.

Submission:

Lildballe Lab, Aarhus University Hospital
Classification: Likely benign for Wilson disease. Last evaluated: 2024-08-29. Review status: criteria provided, single submitter. Criteria: ACMG Guidelines, 2015. Collection method: clinical testing. Allele origin: germline. Affected: yes.
Comment: BP7